The following is an entry in ClinVar:

NM_003036.4(SKI):c.1314_1315delinsGT (p.Val439Phe)

Gene: SKI (SKI proto-oncogene; plus strand). Cytogenetic location: 1p36.32.
Variant type: Indel.
Coding change: c.1314_1315delinsGT on transcript NM_003036.4 (MANE Select); coding-DNA positions 1314 to 1315, CG replaced by GT.
Protein change: p.Val439Phe; replaces valine 439 with phenylalanine.
Molecular consequence: missense variant.
Genome position (GRCh38, 1-based): chr1:2,303,942-2,303,943, CG replaced by GT. VCF-style: chr1-2303942-CG-GT. GRCh37 (hg19) VCF-style: chr1-2235381-CG-GT.
Other names: short protein forms V439F.
Identifiers: ClinVar variation 3619306 (VCV003619306.2).
Genomic context (GRCh38, chr1:2,303,942, plus strand): 5'-CGTGGCCCTCGCACCGCCGGCCCAGCAGAAGGTTGTGAGCAGCCCTCCGTGTGCCGCCGC[CG>GT]TCTCCCGGGCCCCCGAGCCTCTCGCCACTTGCACCCAGCCTCGGAAGCGGAAGCTGACTG-3'
Protein context (NP_003027.1, residues 429-449): VVSSPPCAAA[Val439Phe]SRAPEPLATC

ClinVar aggregate classification (germline): Uncertain significance (1 of 4 stars; one submission).

Conditions:
Shprintzen-Goldberg syndrome (SGS). Also called: Marfanoid disorder with craniosynostosis type 1; Marfanoid craniosynostosis syndrome; Shprintzen-Goldberg marfanoid syndrome; SHPRINTZEN-GOLDBERG CRANIOSYNOSTOSIS SYNDROME; CRANIOSYNOSTOSIS WITH ARACHNODACTYLY AND ABDOMINAL HERNIAS. Identifiers: Orphanet 2462, MedGen C1321551, MONDO:0008426, OMIM 182212.

Submission:

Labcorp Genetics (formerly Invitae), Labcorp
Classification: Uncertain significance for Shprintzen-Goldberg syndrome. Last evaluated: 2024-11-05. Review status: criteria provided, single submitter. Criteria: Invitae Variant Classification Sherloc (09022015). Collection method: clinical testing. Allele origin: germline.
Comment: This sequence change replaces valine, which is neutral and non-polar, with phenylalanine, which is neutral and non-polar, at codon 439 of the SKI protein (p.Val439Phe). Information on the frequency of this variant in the gnomAD database is not available, as this variant may be reported differently in the database. This variant has not been reported in the literature in individuals affected with SKI-related conditions. Experimental studies and prediction algorithms are not available or were not evaluated, and the functional significance of this variant is currently unknown. In summary, the available evidence is currently insufficient to determine the role of this variant in disease. Therefore, it has been classified as a Variant of Uncertain Significance.